The following is an entry in ClinVar:

NM_022124.6(CDH23):c.8986G>A (p.Val2996Met)

Gene: CDH23 (cadherin related 23; plus strand). Cytogenetic location: 10q22.1.
Variant type: single nucleotide variant.
Coding change: c.8986G>A on transcript NM_022124.6 (MANE Select); coding-DNA position 8986, G replaced by A.
Protein change: p.Val2996Met; replaces valine 2996 with methionine.
Molecular consequence: missense variant.
Genome position (GRCh38, 1-based): chr10:71,810,478, G>A. VCF-style: chr10-71810478-G-A. GRCh37 (hg19) VCF-style: chr10-73570235-G-A.
Other names: c.2266G>A, p.Val756Met (NM_001171933.1, NM_001171934.1); short protein forms V756M, V2996M.
Identifiers: ClinVar variation 878413 (VCV000878413.8), dbSNP rs1294837134, ClinGen allele CA377133965.

ClinVar aggregate classification (germline): Uncertain significance. Review status: criteria provided, multiple submitters, no conflicts (2 of 4 stars). 3 submissions from 2 submitters: Uncertain significance (3). Last evaluated 2022-10-17.

Conditions:
Usher syndrome type 1D (USH1D). Also called: USHER SYNDROME, TYPE ID. Identifiers: Orphanet 231169, Orphanet 886, MedGen C1832845, MONDO:0010984, OMIM 601067.
Autosomal recessive nonsyndromic hearing loss 12. Also called: DEAFNESS, AUTOSOMAL RECESSIVE 12. Identifiers: Orphanet 90636, MedGen C1832394, MONDO:0011067, OMIM 601386.

Allele frequency attached by ClinVar (database versions not stated): gnomAD 0.00001; gnomAD exomes 0.00001; TOPMed 0.00002.
gnomAD v4.1: 9 of 1,613,848 alleles (0.00056%); highest among the groups gnomAD compares: Non-Finnish European, 0.00076%; no homozygotes.

Submissions (3):

Labcorp Genetics (formerly Invitae), Labcorp
Classification: Uncertain significance. Last evaluated: 2022-10-17. Review status: criteria provided, single submitter. Criteria: Invitae Variant Classification Sherloc (09022015). Collection method: clinical testing. Allele origin: germline.
Comment: This sequence change replaces valine, which is neutral and non-polar, with methionine, which is neutral and non-polar, at codon 2996 of the CDH23 protein (p.Val2996Met). This variant is present in population databases (no rsID available, gnomAD 0.002%). This variant has not been reported in the literature in individuals affected with CDH23-related conditions. ClinVar contains an entry for this variant (Variation ID: 878413). Advanced modeling of protein sequence and biophysical properties (such as structural, functional, and spatial information, amino acid conservation, physicochemical variation, residue mobility, and thermodynamic stability) performed at Invitae indicates that this missense variant is not expected to disrupt CDH23 protein function. In summary, the available evidence is currently insufficient to determine the role of this variant in disease. Therefore, it has been classified as a Variant of Uncertain Significance.

Illumina Laboratory Services, Illumina
Classification: Uncertain significance for Usher syndrome type 1D. Last evaluated: 2018-01-13. Review status: criteria provided, single submitter. Criteria: ICSL Variant Classification Criteria 13 December 2019. Collection method: clinical testing. Allele origin: germline.

Illumina Laboratory Services, Illumina
Classification: Uncertain significance for Autosomal recessive nonsyndromic hearing loss 12. Last evaluated: 2018-01-13. Review status: criteria provided, single submitter. Criteria: ICSL Variant Classification Criteria 13 December 2019. Collection method: clinical testing. Allele origin: germline.